The following is an entry in ClinVar:

ClinVar aggregate classification (germline): Conflicting classifications of pathogenicity. Review status: criteria provided, conflicting classifications (1 of 4 stars). 2 submissions from 2 submitters: Uncertain significance (1); Benign (1). Last evaluated 2026-01-28.

Conditions:
Mucopolysaccharidosis, MPS-IV-A (MPS4A). Also called: Mucopolysaccharidosis type IV A; Mucopolysaccharidosis Type IVA; Morquio syndrome A, mild; MORQUIO SYNDROME A; MPS IVA; mucopolysaccharidosis type 4A. Identifiers: Orphanet 309297, Orphanet 582, MedGen C0086651, MONDO:0009659, OMIM 253000.

Allele frequency attached by ClinVar (database versions not stated): gnomAD exomes 0.00005 and 0.00027; gnomAD 0.00006 and 0.00008; TOPMed 0.00013; ExAC 0.00030; 1000 Genomes Project 30x 0.00031; 1000 Genomes Project 0.00040.
gnomAD v4.1: 78 of 1,588,948 alleles (0.0049%); highest among the groups gnomAD compares: East Asian, 0.17%; 1 homozygote.

Submissions (2):

Labcorp Genetics (formerly Invitae), Labcorp
Classification: Benign for Mucopolysaccharidosis, MPS-IV-A. Last evaluated: 2026-01-28. Review status: criteria provided, single submitter. Criteria: Invitae Variant Classification Sherloc (09022015). Collection method: clinical testing. Allele origin: germline.

Laboratory of Diagnosis and Therapy of Lysosomal Disorders, University of Padova
Classification: Uncertain significance for Mucopolysaccharidosis, MPS-IV-A. Last evaluated: 2021-02-01. Review status: criteria provided, single submitter. Criteria: ACMG Guidelines, 2015. Collection method: research. Allele origin: germline.
Comment: Multiple lines of computational evidence suggest no impact on gene or gene product (BP4_supporting)

Literature cited by the submitters: PubMed 32014045 (cited by Laboratory of Diagnosis and Therapy of Lysosomal Disorders, University of Padova); PubMed 34387910 (cited by Laboratory of Diagnosis and Therapy of Lysosomal Disorders, University of Padova).

NM_000512.5(GALNS):c.887C>T (p.Ala296Val)

Gene: GALNS (galactosamine (N-acetyl)-6-sulfatase; minus strand). Cytogenetic location: 16q24.3.
Variant type: single nucleotide variant.
Coding change: c.887C>T on transcript NM_000512.5 (MANE Select); coding-DNA position 887, C replaced by T.
Protein change: p.Ala296Val; replaces alanine 296 with valine.
Molecular consequence: missense variant.
Genome position (GRCh38, 1-based): chr16:88,835,224, G>A on the plus strand (C>T on the coding strand, the complement: GALNS is on the minus strand). VCF-style: chr16-88835224-G-A. GRCh37 (hg19) VCF-style: chr16-88901632-G-A.
Other names: c.332C>T, p.Ala111Val (NM_001323543.2); c.905C>T, p.Ala302Val (NM_001323544.2); short protein forms A111V, A296V, A302V.
Identifiers: ClinVar variation 1048478 (VCV001048478.8), dbSNP rs200371805, ClinGen allele CA8234945.